The following is an entry in ClinVar:

ClinVar aggregate classification (germline): Uncertain significance. Review status: criteria provided, multiple submitters, no conflicts (2 of 4 stars). 3 submissions from 3 submitters: Uncertain significance (3). Last evaluated 2024-09-14.

Conditions:
Gnathodiaphyseal dysplasia (GDD). Also called: GNATHODIAPHYSEAL SCLEROSIS; OSTEOGENESIS IMPERFECTA WITH UNUSUAL SKELETAL LESIONS. Identifiers: Orphanet 53697, MedGen C1833736, MONDO:0008151, OMIM 166260.
Autosomal recessive limb-girdle muscular dystrophy type 2L (LGMDR12). Also called: MUSCULAR DYSTROPHY, LIMB-GIRDLE, AUTOSOMAL RECESSIVE 12; Limb-Girdle Muscular Dystrophy R12 Anoctamin-5-Related (LGMD-R12); Limb-girdle muscular dystrophy, type 2L. Identifiers: Orphanet 206549, MedGen C1969785, MONDO:0012652, OMIM 611307.

Allele frequency attached by ClinVar (database versions not stated): gnomAD 0.00001; gnomAD exomes 0.00001 and 0.00002; TOPMed 0.00001; ExAC 0.00002.
gnomAD v4.1: 12 of 1,609,510 alleles (0.00075%); highest among the groups gnomAD compares: South Asian, 0.0044%; no homozygotes.

Submissions (3):

Labcorp Genetics (formerly Invitae), Labcorp
Classification: Uncertain significance for Autosomal recessive limb-girdle muscular dystrophy type 2L; Gnathodiaphyseal dysplasia. Last evaluated: 2024-09-14. Review status: criteria provided, single submitter. Criteria: Invitae Variant Classification Sherloc (09022015). Collection method: clinical testing. Allele origin: germline.
Comment: This sequence change replaces alanine, which is neutral and non-polar, with threonine, which is neutral and polar, at codon 630 of the ANO5 protein (p.Ala630Thr). This variant is present in population databases (rs751996270, gnomAD 0.006%). This variant has not been reported in the literature in individuals affected with ANO5-related conditions. ClinVar contains an entry for this variant (Variation ID: 500311). Invitae Evidence Modeling of protein sequence and biophysical properties (such as structural, functional, and spatial information, amino acid conservation, physicochemical variation, residue mobility, and thermodynamic stability) has been performed for this missense variant. However, the output from this modeling did not meet the statistical confidence thresholds required to predict the impact of this variant on ANO5 protein function. In summary, the available evidence is currently insufficient to determine the role of this variant in disease. Therefore, it has been classified as a Variant of Uncertain Significance.

Revvity Omics, Revvity
Classification: Uncertain significance. Last evaluated: 2024-04-04. Review status: criteria provided, single submitter. Criteria: ACMG Guidelines, 2015. Collection method: clinical testing. Allele origin: germline.

Eurofins Ntd Llc (ga)
Classification: Uncertain significance. Last evaluated: 2017-02-03. Review status: criteria provided, single submitter. Criteria: EGL Classification Definitions 2015. Collection method: clinical testing. Allele origin: germline. Observed: 1 variant allele, 1 heterozygote.

NM_213599.3(ANO5):c.1888G>A (p.Ala630Thr)

Gene: ANO5 (anoctamin 5; plus strand). Cytogenetic location: 11p14.3.
Variant type: single nucleotide variant.
Coding change: c.1888G>A on transcript NM_213599.3 (MANE Select); coding-DNA position 1888, G replaced by A.
Protein change: p.Ala630Thr; replaces alanine 630 with threonine.
Molecular consequence: missense variant.
Genome position (GRCh38, 1-based): chr11:22,263,033, G>A. VCF-style: chr11-22263033-G-A. GRCh37 (hg19) VCF-style: chr11-22284579-G-A.
Other names: c.1888G>A (NM_213599.2); c.1885G>A, p.Ala629Thr (NM_001142649.2); short protein forms A630T, A629T.
Identifiers: ClinVar variation 500311 (VCV000500311.11), dbSNP rs751996270, ClinGen allele CA5923379.